The following is an entry in ClinVar:

ClinVar aggregate classification (germline): Uncertain significance (1 of 4 stars; one submission).

Submission:

Labcorp Genetics (formerly Invitae), Labcorp
Classification: Uncertain significance. Last evaluated: 2020-09-26. Review status: criteria provided, single submitter. Criteria: Invitae Variant Classification Sherloc (09022015). Collection method: clinical testing. Allele origin: germline.
Comment: This sequence change replaces glutamic acid with glutamine at codon 88 of the CTNNA1 protein (p.Glu88Gln). The glutamic acid residue is highly conserved and there is a small physicochemical difference between glutamic acid and glutamine. This variant is not present in population databases (ExAC no frequency). In summary, the available evidence is currently insufficient to determine the role of this variant in disease. Therefore, it has been classified as a Variant of Uncertain Significance. Algorithms developed to predict the effect of missense changes on protein structure and function are either unavailable or do not agree on the potential impact of this missense change (SIFT: "Deleterious"; PolyPhen-2: "Benign"; Align-GVGD: "Class C0"). This variant has not been reported in the literature in individuals with CTNNA1-related conditions.

NM_001903.5(CTNNA1):c.262G>C (p.Glu88Gln)

Gene: CTNNA1 (catenin alpha 1; plus strand). Cytogenetic location: 5q31.2.
Variant type: single nucleotide variant.
Coding change: c.262G>C on transcript NM_001903.5 (MANE Select); coding-DNA position 262, G replaced by C.
Protein change: p.Glu88Gln; replaces glutamic acid 88 with glutamine.
Molecular consequence: missense variant. On other transcripts: intron variant (2).
Genome position (GRCh38, 1-based): chr5:138,783,333, G>C. VCF-style: chr5-138783333-G-C. GRCh37 (hg19) VCF-style: chr5-138119022-G-C.
Other names: c.262G>C, p.Glu88Gln (NM_001290307.3, NM_001323982.2, NM_001323983.1 and 3 more transcripts); c.-6+61G>C (NM_001290310.3); c.-9+1304G>C (NM_001290309.3); short protein forms E88Q.
Identifiers: ClinVar variation 1006768 (VCV001006768.8), dbSNP rs1755340199, ClinGen allele CA361477640.
Genomic context (GRCh38, chr5:138,783,333, plus strand): 5'-GCAACTGAGAATTTCTTGGAGAAGGGGGATAAAATTGCGAAGGAGAGCCAGTTTCTCAAG[G>C]AGGAGCTTGTGGCTGCTGTAGAAGATGTTCGAAAACAAGGTAGGTCATTACTGCTTTTTA-3'
Protein context (NP_001894.2, residues 78-98): KIAKESQFLK[Glu88Gln]ELVAAVEDVR